The following is an entry in ClinVar:

ClinVar aggregate classification (germline): Uncertain significance (1 of 4 stars; one submission).

Allele frequency attached by ClinVar (database versions not stated): ExAC 0.00054; gnomAD 0.00180; 1000 Genomes Project 30x 0.00187; 1000 Genomes Project 0.00220; TOPMed 0.00229; ESP Exome Variant Server 0.00231.
gnomAD v4.1: 541 of 1,613,896 alleles (0.034%); highest among the groups gnomAD compares: African/African-American, 0.65%; 3 homozygotes.

Submission:

Ambry Genetics
Classification: Uncertain significance. Last evaluated: 2024-09-15. Review status: criteria provided, single submitter. Criteria: Ambry Variant Classification Scheme 2023. Collection method: clinical testing. Allele origin: germline.
Comment: The p.E1892D variant (also known as c.5676G>T), located in coding exon 8 of the ALPK2 gene, results from a G to T substitution at nucleotide position 5676. The glutamic acid at codon 1892 is replaced by aspartic acid, an amino acid with highly similar properties. This amino acid position is conserved. In addition, this alteration is predicted to be tolerated by in silico analysis. Since supporting evidence is limited at this time, the clinical significance of this alteration remains unclear.

NM_052947.4(ALPK2):c.5676G>T (p.Glu1892Asp)

Gene: ALPK2 (alpha kinase 2; minus strand). Cytogenetic location: 18q21.31.
Variant type: single nucleotide variant.
Coding change: c.5676G>T on transcript NM_052947.4 (MANE Select); coding-DNA position 5676, G replaced by T.
Protein change: p.Glu1892Asp; replaces glutamic acid 1892 with aspartic acid.
Molecular consequence: missense variant.
Genome position (GRCh38, 1-based): chr18:58,517,172, C>A on the plus strand (G>T on the coding strand, the complement: ALPK2 is on the minus strand). VCF-style: chr18-58517172-C-A. GRCh37 (hg19) VCF-style: chr18-56184404-C-A.
Other names: short protein forms E1892D.
Identifiers: ClinVar variation 1748992 (VCV001748992.3), dbSNP rs34304827, ClinGen allele CA8976382.
Genomic context (GRCh38, chr18:58,517,172, plus strand): 5'-GCCCCCAAAGTAGCTGTCATGGAGGAAGTCTTCTTTGAAGATGAGTTGGCTGAATTCAAT[C>A]TCTTCACATCCTGAAACACAGCACAGCTTTGGTTGGAAAGAATACCTCCCAGTCCTGCTC-3'
Protein context (NP_443179.3, residues 1882-1902): SSRQDTKGCE[Glu1892Asp]IEFSQLIFKE